The following is an entry in ClinVar:

ClinVar aggregate classification (germline): Uncertain significance (1 of 4 stars; one submission).

Conditions:
Early-infantile DEE. Also called: Ohtahara syndrome; Early infantile epileptic encephalopathy with suppression bursts; Early infantile epileptic encephalopathy. Identifiers: Orphanet 1934, MedGen C0393706, MONDO:0800491.

Submission:

Labcorp Genetics (formerly Invitae), Labcorp
Classification: Uncertain significance for Early-infantile DEE. Last evaluated: 2019-05-08. Review status: criteria provided, single submitter. Criteria: Invitae Variant Classification Sherloc (09022015). Collection method: clinical testing. Allele origin: germline.
Comment: This sequence change falls in intron 15 of the SCN1A gene. It does not directly change the encoded amino acid sequence of the SCN1A protein. In summary, the available evidence is currently insufficient to determine the role of this variant in disease. Therefore, it has been classified as a Variant of Uncertain Significance. Algorithms developed to predict the effect of sequence changes on RNA splicing suggest that this variant may disrupt the consensus splice site, but this prediction has not been confirmed by published transcriptional studies. This variant has not been reported in the literature in individuals with SCN1A-related conditions. This variant is not present in population databases (ExAC no frequency).

NM_001165963.4(SCN1A):c.2947-10T>A

Gene: SCN1A (sodium voltage-gated channel alpha subunit 1; minus strand). Cytogenetic location: 2q24.3.
Variant type: single nucleotide variant.
Coding change: c.2947-10T>A on transcript NM_001165963.4 (MANE Select); 10 bases into the intron before coding-DNA position 2947, T replaced by A.
Molecular consequence: intron variant.
Genome position (GRCh38, 1-based): chr2:166,036,540, A>T on the plus strand (T>A on the coding strand, the complement: SCN1A is on the minus strand). VCF-style: chr2-166036540-A-T. GRCh37 (hg19) VCF-style: chr2-166893050-A-T.
Other names: c.2914-10T>A (NM_001353949.2, NM_001353950.2, NM_001353951.2 and 2 more transcripts); c.2863-10T>A (NM_001353958.2, NM_001353957.2, NM_001165964.3); c.2947-10T>A (NM_001202435.3, NM_001353948.2); c.2911-10T>A (NM_001353955.2, NM_001353954.2); c.2860-10T>A (NM_001353960.2); c.505-10T>A (NM_001353961.2).
Identifiers: ClinVar variation 853842 (VCV000853842.9), dbSNP rs1696409431, ClinGen allele CA916082226.
Genomic context (GRCh38, chr2:166,036,540, plus strand): 5'-GTTGTCTGCACTAAATGAGCTCAGAAGCAAGGCCAGAAAGAGATTCAGGACCTTAAAAAC[A>T]ACAAAAACATGATTATAATTTTACACCAATGTAGGGAAGAGCAGATTACAATCACTTATT-3'